The following is an entry in ClinVar:

ClinVar aggregate classification (germline): Uncertain significance (1 of 4 stars; one submission).

Conditions:
Inborn genetic diseases. Identifiers: MedGen C0950123, MeSH D030342.

Allele frequency attached by ClinVar (database versions not stated): ExAC 0.00001; gnomAD exomes 0.00002.
gnomAD v4.1: 33 of 1,611,188 alleles (0.002%); highest among the groups gnomAD compares: Non-Finnish European, 0.0026%; no homozygotes.

Submission:

Ambry Genetics
Classification: Uncertain significance for Inborn genetic diseases. Last evaluated: 2021-08-19. Review status: criteria provided, single submitter. Criteria: Ambry Variant Classification Scheme 2023. Collection method: clinical testing. Allele origin: germline.
Comment: The c.616+5G>A intronic alteration consists of a G to A substitution 5 nucleotides after exon 4 of the PREPL gene. Based on insufficient or conflicting evidence, the clinical significance of this alteration remains unclear.

NM_001171613.2(PREPL):c.349+5G>A

Gene: PREPL (prolyl endopeptidase like; minus strand). Cytogenetic location: 2p21.
Variant type: single nucleotide variant.
Coding change: c.349+5G>A on transcript NM_001171613.2 (MANE Select); 5 bases into the intron after coding-DNA position 349, G replaced by A.
Molecular consequence: intron variant.
Genome position (GRCh38, 1-based): chr2:44,343,740, C>T on the plus strand (G>A on the coding strand, the complement: PREPL is on the minus strand). VCF-style: chr2-44343740-C-T. GRCh37 (hg19) VCF-style: chr2-44570879-C-T.
Other names: c.349+5G>A (NM_001171617.1, NM_001374277.1); c.616+5G>A (NM_001171603.1, NM_001374275.1, NM_001374276.1 and 4 more transcripts).
Identifiers: ClinVar variation 2237342 (VCV002237342.2), dbSNP rs749375759, ClinGen allele CA1641533.
Genomic context (GRCh38, chr2:44,343,740, plus strand): 5'-AAAAATGTTTCAAAAGTGTTACCGTTGCCTTTCAACACAGAGGACTATTTTGGTTGGTGG[C>T]TTACCAAAACTGGACACATTCGGGAAAGAAGCTTCCATTACGGGCTGATCGCTGAGCTTT-3'